The following is an entry in ClinVar:

NM_032444.4(SLX4):c.4481_4525del (p.Gly1494_Ser1508del)

Gene: SLX4 (SLX4 structure-specific endonuclease subunit; minus strand). Cytogenetic location: 16p13.3.
Variant type: Deletion.
Coding change: c.4481_4525del on transcript NM_032444.4 (MANE Select); coding-DNA positions 4481 to 4525, 45 bases deleted.
Protein change: p.Gly1494_Ser1508del.
Molecular consequence: inframe deletion.
Genome position (GRCh38, 1-based): chr16:3,589,113-3,589,157, 45 bases deleted; deleting any 45 consecutive bases within chr16:3,589,113-3,589,161 gives the same sequence; the c. name uses the placement nearest the transcript's 3' end. GRCh37 (hg19): chr16:3,639,118-3,639,162.
Identifiers: ClinVar variation 1035729 (VCV001035729.9), dbSNP rs750613465, ClinGen allele CA7865610.

ClinVar aggregate classification (germline): Uncertain significance. Review status: criteria provided, multiple submitters, no conflicts (2 of 4 stars). 3 submissions from 3 submitters: Uncertain significance (3). Last evaluated 2023-11-28.

Conditions:
Fanconi anemia (FA). Also called: Fanconi's anemia. Identifiers: Orphanet 84, MedGen C0015625, MeSH D005199, MONDO:0019391.
Fanconi anemia complementation group P. Also called: SLX4-Related Fanconi Anemia. Identifiers: Orphanet 84, MedGen C3469542, MONDO:0013499, OMIM 613951.

Submissions (3):

Labcorp Genetics (formerly Invitae), Labcorp
Classification: Uncertain significance for Fanconi anemia. Last evaluated: 2023-11-28. Review status: criteria provided, single submitter. Criteria: Invitae Variant Classification Sherloc (09022015). Collection method: clinical testing. Allele origin: germline.
Comment: This variant, c.4481_4525del, results in the deletion of 15 amino acid(s) of the SLX4 protein (p.Gly1494_Ser1508del), but otherwise preserves the integrity of the reading frame. This variant is present in population databases (rs750613465, gnomAD 0.0009%). This variant has not been reported in the literature in individuals affected with SLX4-related conditions. ClinVar contains an entry for this variant (Variation ID: 1035729). Experimental studies and prediction algorithms are not available or were not evaluated, and the functional significance of this variant is currently unknown. In summary, the available evidence is currently insufficient to determine the role of this variant in disease. Therefore, it has been classified as a Variant of Uncertain Significance.

Fulgent Genetics
Classification: Uncertain significance for Fanconi anemia complementation group P. Last evaluated: 2021-08-25. Review status: criteria provided, single submitter. Criteria: ACMG Guidelines, 2015. Collection method: clinical testing. Allele origin: unknown.

GeneDx
Classification: Uncertain significance. Last evaluated: 2021-03-04. Review status: criteria provided, single submitter. Criteria: GeneDx Variant Classification Process June 2021. Collection method: clinical testing. Allele origin: germline. Affected: yes.
Comment: Not observed at a significant frequency in large population cohorts (Lek et al., 2016); In-frame deletion of 15 amino acids in a non-repeat region; In silico analysis, which includes protein predictors and evolutionary conservation, supports a deleterious effect; Has not been previously published as pathogenic or benign to our knowledge